The following is an entry in ClinVar:

ClinVar aggregate classification (germline): Pathogenic/Likely pathogenic. Review status: criteria provided, multiple submitters, no conflicts (2 of 4 stars). 2 submissions from 2 submitters: Pathogenic (1); Likely pathogenic (1). Last evaluated 2024-02-09.

Conditions:
Fanconi anemia complementation group D2. Also called: FANCD2-Related Fanconi Anemia; FANCONI ANEMIA, COMPLEMENTATION GROUP D; FANCONI PANCYTOPENIA, TYPE 4. Identifiers: Orphanet 84, MedGen C3160738, MONDO:0009214, OMIM 227646.
Fanconi anemia (FA). Also called: Fanconi's anemia. Identifiers: Orphanet 84, MedGen C0015625, MeSH D005199, MONDO:0019391.

Submissions (2):

Baylor Genetics
Classification: Likely pathogenic for Fanconi anemia complementation group D2. Last evaluated: 2024-02-09. Review status: criteria provided, single submitter. Criteria: ACMG Guidelines, 2015. Collection method: clinical testing. Allele origin: unknown.

Labcorp Genetics (formerly Invitae), Labcorp
Classification: Pathogenic for Fanconi anemia. Last evaluated: 2022-12-31. Review status: criteria provided, single submitter. Criteria: Invitae Variant Classification Sherloc (09022015). Collection method: clinical testing. Allele origin: germline.
Comment: This variant has not been reported in the literature in individuals affected with FANCD2-related conditions. This sequence change creates a premature translational stop signal (p.His654Ilefs*12) in the FANCD2 gene. It is expected to result in an absent or disrupted protein product. Loss-of-function variants in FANCD2 are known to be pathogenic (PMID: 17436244). This variant is not present in population databases (gnomAD no frequency). For these reasons, this variant has been classified as Pathogenic.

Literature cited by the submitters: PubMed 17436244 (cited by Labcorp Genetics (formerly Invitae), Labcorp).

NM_001018115.3(FANCD2):c.1956del (p.His654fs)

Genes: FANCD2 (FA complementation group D2; plus strand), LOC107303338 (3p25 FANCD2 Alu-mediated recombination region; plus strand). Cytogenetic location: 3p25.3.
Variant type: Deletion.
Coding change: c.1956del on transcript NM_001018115.3 (MANE Select); coding-DNA position 1956, one base deleted (T; older notation c.1956delT).
Protein change: p.His654fs; shifts the reading frame from histidine 654.
Molecular consequence: frameshift variant.
Genome position (GRCh38, 1-based): chr3:10,064,364, T deleted; the last of 2 consecutive T bases (chr3:10,064,363-10,064,364); deleting either gives the same sequence. VCF-style (leftmost placement, unchanged base first): chr3-10064362-GT-G. GRCh37 (hg19) VCF-style: chr3-10106046-GT-G.
Other names: c.1956del, p.His654fs (NM_001319984.2, NM_001374254.1, NM_033084.6); c.1845del, p.His617fs (NM_001374253.1); short protein forms H654fs, H617fs.
Identifiers: ClinVar variation 2825529 (VCV002825529.4), dbSNP rs2469966729, ClinGen allele CA2739279369.